The following is an entry in ClinVar:

NM_018139.3(DNAAF2):c.1166G>A (p.Gly389Glu)

Genes: DNAAF2 (dynein axonemal assembly factor 2; minus strand), LOC130055542 (ATAC-STARR-seq lymphoblastoid silent region 5699; plus strand). Cytogenetic location: 14q21.3.
Variant type: single nucleotide variant.
Coding change: c.1166G>A on transcript NM_018139.3 (MANE Select); coding-DNA position 1166, G replaced by A.
Protein change: p.Gly389Glu; replaces glycine 389 with glutamic acid.
Molecular consequence: missense variant. On other transcripts: 5 prime UTR variant (1).
Genome position (GRCh38, 1-based): chr14:49,633,984, C>T on the plus strand (G>A on the coding strand, the complement: DNAAF2 is on the minus strand). VCF-style: chr14-49633984-C-T. GRCh37 (hg19) VCF-style: chr14-50100702-C-T.
Other names: c.1166G>A (NM_018139.2); c.1166G>A, p.Gly389Glu (NM_001083908.2); c.-706G>A (NM_001378453.1); short protein forms G389E.
Identifiers: ClinVar variation 1373304 (VCV001373304.7), dbSNP rs1261094239, ClinGen allele CA389629244.

ClinVar aggregate classification (germline): Uncertain significance. Review status: criteria provided, multiple submitters, no conflicts (2 of 4 stars). 2 submissions from 2 submitters: Uncertain significance (2). Last evaluated 2023-12-25.

Conditions:
Primary ciliary dyskinesia. Also called: Ciliary dyskinesia. Identifiers: Orphanet 244, MedGen C0008780, MONDO:0016575, HP:0012265.

Submissions (2):

Ambry Genetics
Classification: Uncertain significance for Primary ciliary dyskinesia. Last evaluated: 2023-12-25. Review status: criteria provided, single submitter. Criteria: Ambry Variant Classification Scheme 2023. Collection method: clinical testing. Allele origin: germline.
Comment: The p.G389E variant (also known as c.1166G>A), located in coding exon 1 of the DNAAF2 gene, results from a G to A substitution at nucleotide position 1166. The glycine at codon 389 is replaced by glutamic acid, an amino acid with similar properties. This amino acid position is conserved. In addition, this alteration is predicted to be tolerated by in silico analysis. Since supporting evidence is limited at this time, the clinical significance of this alteration remains unclear.

Labcorp Genetics (formerly Invitae), Labcorp
Classification: Uncertain significance for Primary ciliary dyskinesia. Last evaluated: 2023-08-24. Review status: criteria provided, single submitter. Criteria: Invitae Variant Classification Sherloc (09022015). Collection method: clinical testing. Allele origin: germline.
Comment: In summary, the available evidence is currently insufficient to determine the role of this variant in disease. Therefore, it has been classified as a Variant of Uncertain Significance. Advanced modeling of protein sequence and biophysical properties (such as structural, functional, and spatial information, amino acid conservation, physicochemical variation, residue mobility, and thermodynamic stability) performed at Invitae indicates that this missense variant is not expected to disrupt DNAAF2 protein function. ClinVar contains an entry for this variant (Variation ID: 1373304). This variant has not been reported in the literature in individuals affected with DNAAF2-related conditions. This sequence change replaces glycine, which is neutral and non-polar, with glutamic acid, which is acidic and polar, at codon 389 of the DNAAF2 protein (p.Gly389Glu). This variant is not present in population databases (gnomAD no frequency).